The following is an entry in ClinVar:

ClinVar aggregate classification (germline): Uncertain significance (1 of 4 stars; one submission).

Conditions:
Familial adenomatous polyposis 1 (FAP1). Also called: FAMILIAL ADENOMATOUS POLYPOSIS 1, ATTENUATED; POLYPOSIS, ADENOMATOUS INTESTINAL. Identifiers: MedGen C2713442, MONDO:0021056, OMIM 175100. Disease mechanism: loss of function.

Submission:

Labcorp Genetics (formerly Invitae), Labcorp
Classification: Uncertain significance for Familial adenomatous polyposis 1. Last evaluated: 2025-08-10. Review status: criteria provided, single submitter. Criteria: Invitae Variant Classification Sherloc (09022015). Collection method: clinical testing. Allele origin: germline.
Comment: This variant occurs in a non-coding region of the APC gene. It does not change the encoded amino acid sequence of the APC protein. Information on the frequency of this variant in the gnomAD database is not available, as this variant may be reported differently in the database. This variant has not been reported in the literature in individuals affected with APC-related conditions. Experimental studies and prediction algorithms are not available or were not evaluated, and the functional significance of this variant is currently unknown. In summary, the available evidence is currently insufficient to determine the role of this variant in disease. Therefore, it has been classified as a Variant of Uncertain Significance.

NC_000005.10:g.112707372_112707373delinsTT

Gene: APC (APC regulator of Wnt signaling pathway; plus strand). Cytogenetic location: 5q22.2.
Variant type: Indel.
Genome position: GRCh38 VCF-style: chr5-112707372-GC-TT. GRCh37 (hg19) VCF-style: chr5-112043069-GC-TT.
Identifiers: ClinVar variation 1044415 (VCV001044415.8), dbSNP rs1750552770, ClinGen allele CA1573442217.